The following is an entry in ClinVar:

NM_000552.5(VWF):c.5357A>G (p.His1786Arg)

Gene: VWF (von Willebrand factor; minus strand). Cytogenetic location: 12p13.31.
Variant type: single nucleotide variant.
Coding change: c.5357A>G on transcript NM_000552.5 (MANE Select); coding-DNA position 5357, A replaced by G.
Protein change: p.His1786Arg; replaces histidine 1786 with arginine.
Molecular consequence: missense variant.
Genome position (GRCh38, 1-based): chr12:6,016,187, T>C on the plus strand (A>G on the coding strand, the complement: VWF is on the minus strand). VCF-style: chr12-6016187-T-C. GRCh37 (hg19) VCF-style: chr12-6125353-T-C.
Other names: short protein forms H1786R.
Identifiers: ClinVar variation 3899572 (VCV003899572.1).
Genomic context (GRCh38, chr12:6,016,187, plus strand): 5'-TCCACAGAGACGTCCGTGACCAGGATGACCACCGCCTTTGAGGCTCCCGGCCTGGCACCA[T>C]GCATTTCTGAAGTCAAGTATCGCACAGCAAAGCCCAAGGCATCCCCTGAGGATGGAGAAC-3'
Protein context (NP_000543.3, residues 1776-1796): FAVRYLTSEM[His1786Arg]GARPGASKAV

ClinVar aggregate classification (germline): Uncertain significance (1 of 4 stars; one submission).

gnomAD v4.1: 4 of 1,614,148 alleles (0.00025%); highest among the groups gnomAD compares: Non-Finnish European, 0.00034%; no homozygotes.

Submission:

GeneDx
Classification: Uncertain significance. Last evaluated: 2024-11-06. Review status: criteria provided, single submitter. Criteria: GeneDx Variant Classification Process June 2021. Collection method: clinical testing. Allele origin: germline. Affected: yes.
Comment: Not observed at significant frequency in large population cohorts (gnomAD); In silico analysis indicates that this missense variant does not alter protein structure/function; Has not been previously published as pathogenic or benign to our knowledge